The following is an entry in ClinVar:

ClinVar aggregate classification (germline): Uncertain significance. Review status: criteria provided, multiple submitters, no conflicts (2 of 4 stars). 2 submissions from 2 submitters: Uncertain significance (2). Last evaluated 2021-06-25.

Conditions:
Inborn genetic diseases. Identifiers: MedGen C0950123, MeSH D030342.

Submissions (2):

GeneDx
Classification: Uncertain significance. Last evaluated: 2021-06-25. Review status: criteria provided, single submitter. Criteria: GeneDx Variant Classification Process June 2021. Collection method: clinical testing. Allele origin: germline. Affected: yes.
Comment: Not observed at significant frequency in large population cohorts (Lek et al., 2016); In-frame deletion of 27 amino acids and insertion of 17 amino acids in a non-repeat region; In silico analysis supports a deleterious effect on protein structure/function; Has not been previously published as pathogenic or benign to our knowledge; This variant is associated with the following publications: (PMID: 27535533)

Ambry Genetics
Classification: Uncertain significance for Inborn genetic diseases. Last evaluated: 2021-05-03. Review status: criteria provided, single submitter. Criteria: Ambry Variant Classification Scheme 2023. Collection method: clinical testing. Allele origin: germline.
Comment: The c.404_482del79insTCAGGCTGAGACCCCCGCTCTTCCTGGGTGTAATGTTAACATCCTCTGC (p.W135_F161delinsFRLRPPLFLGVMLTSSA) alteration, located in exon 5 (coding exon 4) of the IGSF1 gene, consists of an in-frame deletion of 79 and insertion of 49 nucleotides from position 404 to 482, resulting in the insertion of 26 residues. Based on insufficient or conflicting evidence, the clinical significance of this alteration remains unclear.

NM_001555.5(IGSF1):c.404_482delinsTCAGGCTGAGACCCCCGCTCTTCCTGGGTGTAATGTTAACATCCTCTGC (p.Trp135_Phe161delinsPheArgLeuArgProProLeuPheLeuGlyValMetLeuThrSerSerAla)

Gene: IGSF1 (immunoglobulin superfamily member 1; minus strand). Cytogenetic location: Xq26.1.
Variant type: Indel.
Coding change: c.404_482delinsTCAGGCTGAGACCCCCGCTCTTCCTGGGTGTAATGTTAACATCCTCTGC on transcript NM_001555.5 (MANE Select); coding-DNA positions 404 to 482, the reference bases replaced by an inserted sequence.
Protein change: p.Trp135_Phe161delinsPheArgLeuArgProProLeuPheLeuGlyValMetLeuThrSerSerAla.
Molecular consequence: inframe indel.
Genome position (GRCh38, 1-based): chrX:131,285,364-131,285,442, 79 bases replaced. GRCh37 (hg19): chrX:130,419,338-130,419,416.
Other names: c.404_482delinsTCAGGCTGAGACCCCCGCTCTTCCTGGGTGTAATGTTAACATCCTCTGC, p.Trp135_Phe161delinsPheArgLeuArgProProLeuPheLeuGlyValMetLeuThrSerSerAla (NM_205833.4, NM_001170961.2, NM_001170963.2); c.377_455delinsTCAGGCTGAGACCCCCGCTCTTCCTGGGTGTAATGTTAACATCCTCTGC, p.Trp126_Phe152delinsPheArgLeuArgProProLeuPheLeuGlyValMetLeuThrSerSerAla (NM_001170962.2); c.404_482del79insTCAGGCTGAGACCCCCGCTCTTCCTGGGTGTAATGTTAACATCCTCTGC (NM_001170961.1).
Identifiers: ClinVar variation 1329833 (VCV001329833.4), dbSNP rs2124131728, ClinGen allele CA2573055107.